The following is an entry in ClinVar:

NM_024642.5(GALNT12):c.208G>T (p.Val70Leu)

Gene: GALNT12 (polypeptide N-acetylgalactosaminyltransferase 12; plus strand). Cytogenetic location: 9q22.33.
Variant type: single nucleotide variant.
Coding change: c.208G>T on transcript NM_024642.5 (MANE Select); coding-DNA position 208, G replaced by T.
Protein change: p.Val70Leu; replaces valine 70 with leucine.
Molecular consequence: missense variant.
Genome position (GRCh38, 1-based): chr9:98,807,906, G>T. VCF-style: chr9-98807906-G-T. GRCh37 (hg19) VCF-style: chr9-101570188-G-T.
Other names: short protein forms V70L.
Identifiers: ClinVar variation 1319622 (VCV001319622.5), dbSNP rs2118257028, ClinGen allele CA374222526.

ClinVar aggregate classification (germline): Uncertain significance. Review status: criteria provided, multiple submitters, no conflicts (2 of 4 stars). 2 submissions from 2 submitters: Uncertain significance (2). Last evaluated 2021-12-22.

Submissions (2):

Ambry Genetics
Classification: Uncertain significance. Last evaluated: 2021-12-22. Review status: criteria provided, single submitter. Criteria: Ambry Variant Classification Scheme 2023. Collection method: clinical testing. Allele origin: germline.
Comment: The p.V70L variant (also known as c.208G>T), located in coding exon 1 of the GALNT12 gene, results from a G to T substitution at nucleotide position 208. The valine at codon 70 is replaced by leucine, an amino acid with highly similar properties. This amino acid position is conserved. In addition, this alteration is predicted to be tolerated by in silico analysis. Since supporting evidence is limited at this time, the clinical significance of this alteration remains unclear.

Institute for Clinical Genetics, University Hospital TU Dresden, University Hospital TU Dresden
Classification: Uncertain significance. Last evaluated: 2021-11-03. Review status: criteria provided, single submitter. Criteria: ACMG Guidelines, 2015. Collection method: clinical testing. Allele origin: germline.